The following is an entry in ClinVar:

NM_182961.4(SYNE1):c.18999G>C (p.Leu6333Phe)

Gene: SYNE1 (spectrin repeat containing nuclear envelope protein 1; minus strand). Cytogenetic location: 6q25.2.
Variant type: single nucleotide variant.
Coding change: c.18999G>C on transcript NM_182961.4 (MANE Select); coding-DNA position 18999, G replaced by C.
Protein change: p.Leu6333Phe; replaces leucine 6333 with phenylalanine.
Molecular consequence: missense variant.
Genome position (GRCh38, 1-based): chr6:152,256,739, C>G on the plus strand (G>C on the coding strand, the complement: SYNE1 is on the minus strand). VCF-style: chr6-152256739-C-G. GRCh37 (hg19) VCF-style: chr6-152577874-C-G.
Other names: c.18786G>C, p.Leu6262Phe (NM_033071.5); short protein forms L6262F, L6333F.
Identifiers: ClinVar variation 355844 (VCV000355844.43), dbSNP rs141934037, ClinGen allele CA4054790.
Genomic context (GRCh38, chr6:152,256,739, plus strand): 5'-AGATGTAACTGCAGATTTATCTTGGGTTGGCACGTCCCCTTTGTACAGTGGCACACCAGA[C>G]AAGAGTCGATTTGGCCTGCTATAAAGCTGTAGGCAAACAAAGGCAGCTTGTTGAAGAGCA-3'
Protein context (NP_892006.3, residues 6323-6343): QVLYSRPNRL[Leu6333Phe]SGVPLYKGDV

ClinVar aggregate classification (germline): Conflicting classifications of pathogenicity. Review status: criteria provided, conflicting classifications (1 of 4 stars). 7 submissions from 6 submitters: Uncertain significance (6); Likely benign (1). Last evaluated 2024-01-01.

Conditions:
Autosomal recessive ataxia, Beauce type. Also called: SYNE1 Deficiency; ATAXIA, RECESSIVE, OF BEAUCE; SYNE1-Related Autosomal Recessive Cerebellar Ataxia; Spinocerebellar ataxia, autosomal recessive 8. Identifiers: Orphanet 88644, MedGen C1853116, MONDO:0012549, OMIM 610743.
Emery-Dreifuss muscular dystrophy 4, autosomal dominant (EDMD4). Also called: EMERY-DREIFUSS MUSCULAR DYSTROPHY 4 WITH VARIABLE FEATURES. Identifiers: Orphanet 261, MedGen C2751807, MONDO:0013071, OMIM 612998.

Allele frequency attached by ClinVar (database versions not stated): ExAC 0.00005; ESP Exome Variant Server 0.00008; gnomAD exomes 0.00008 and 0.00024; TOPMed 0.00008; gnomAD 0.00011; 1000 Genomes Project 30x 0.00016; 1000 Genomes Project 0.00020.
gnomAD v4.1: 370 of 1,613,952 alleles (0.023%); highest among the groups gnomAD compares: Non-Finnish European, 0.029%; no homozygotes.

Submissions (7):

Labcorp Genetics (formerly Invitae), Labcorp
Classification: Uncertain significance for Emery-Dreifuss muscular dystrophy 4, autosomal dominant; Autosomal recessive ataxia, Beauce type. Last evaluated: 2024-01-01. Review status: criteria provided, single submitter. Criteria: Invitae Variant Classification Sherloc (09022015). Collection method: clinical testing. Allele origin: germline.
Comment: This sequence change replaces leucine, which is neutral and non-polar, with phenylalanine, which is neutral and non-polar, at codon 6262 of the SYNE1 protein (p.Leu6262Phe). This variant is present in population databases (rs141934037, gnomAD 0.02%). This variant has not been reported in the literature in individuals affected with SYNE1-related conditions. ClinVar contains an entry for this variant (Variation ID: 355844). An algorithm developed to predict the effect of missense changes on protein structure and function (PolyPhen-2) suggests that this variant is likely to be disruptive. In summary, the available evidence is currently insufficient to determine the role of this variant in disease. Therefore, it has been classified as a Variant of Uncertain Significance.

Revvity Omics, Revvity
Classification: Uncertain significance. Last evaluated: 2023-06-30. Review status: criteria provided, single submitter. Criteria: ACMG Guidelines, 2015. Collection method: clinical testing. Allele origin: germline.

CeGaT Center for Human Genetics Tuebingen
Classification: Uncertain significance. Last evaluated: 2022-12-01. Review status: criteria provided, single submitter. Criteria: CeGaT Center For Human Genetics Tuebingen Variant Classification Criteria Version 2. Collection method: clinical testing. Allele origin: germline. Affected: yes. Observed: 1 variant allele.
Comment: SYNE1: PM2:Supporting, BP4

Athena Diagnostics
Classification: Uncertain significance. Last evaluated: 2022-06-10. Review status: criteria provided, single submitter. Criteria: Athena Diagnostics Criteria. Collection method: clinical testing. Allele origin: unknown.

GeneDx
Classification: Uncertain significance. Last evaluated: 2022-04-13. Review status: criteria provided, single submitter. Criteria: GeneDx Variant Classification Process June 2021. Collection method: clinical testing. Allele origin: germline. Affected: yes.
Comment: In silico analysis supports that this missense variant does not alter protein structure/function; Has not been previously published as pathogenic or benign to our knowledge

Illumina Laboratory Services, Illumina
Classification: Uncertain significance for Autosomal recessive ataxia, Beauce type. Last evaluated: 2018-01-12. Review status: criteria provided, single submitter. Criteria: ICSL Variant Classification Criteria 13 December 2019. Collection method: clinical testing. Allele origin: germline.

Illumina Laboratory Services, Illumina
Classification: Likely benign for Emery-Dreifuss muscular dystrophy 4, autosomal dominant. Last evaluated: 2018-01-12. Review status: criteria provided, single submitter. Criteria: ICSL Variant Classification Criteria 13 December 2019. Collection method: clinical testing. Allele origin: germline.
Comment: This variant was observed in the ICSL laboratory as part of a predisposition screen in an ostensibly healthy population. It had not been previously curated by ICSL or reported in the Human Gene Mutation Database (HGMD: prior to June 1st, 2018), and was therefore a candidate for classification through an automated scoring system. Utilizing variant allele frequency, disease prevalence and penetrance estimates, and inheritance mode, an automated score was calculated to assess if this variant is too frequent to cause the disease. Based on the score and internal cut-off values, a variant classified as likely benign is not then subjected to further curation. The score for this variant resulted in a classification of likely benign for this disease.